The following is an entry in ClinVar:

NM_001040108.2(MLH3):c.1238_1256del (p.Arg413fs)

Gene: MLH3 (mutL homolog 3; minus strand). Cytogenetic location: 14q24.3.
Variant type: Deletion.
Coding change: c.1238_1256del on transcript NM_001040108.2 (MANE Select); coding-DNA positions 1238 to 1256, 19 bases deleted (GAAAAACTACTGCAGAAAA).
Protein change: p.Arg413fs; shifts the reading frame from arginine 413.
Molecular consequence: frameshift variant.
Genome position (GRCh38, 1-based): chr14:75,048,400-75,048,418, TTTTCTGCAGTAGTTTTTC deleted on the plus strand (GAAAAACTACTGCAGAAAA on the coding strand, the reverse complement: MLH3 is on the minus strand); deleting any 19 consecutive bases within chr14:75,048,400-75,048,423 gives the same sequence; the c. name uses the placement nearest the transcript's 3' end. VCF-style (leftmost placement, unchanged base first): chr14-75048399-GTTTTCTGCAGTAGTTTTTC-G. GRCh37 (hg19) VCF-style: chr14-75515102-GTTTTCTGCAGTAGTTTTTC-G.
Other names: c.1238_1256del, p.Arg413fs (NM_014381.3); short protein forms R413fs.
Identifiers: ClinVar variation 2851322 (VCV002851322.3), dbSNP rs755543475, ClinGen allele CA7275901.

ClinVar aggregate classification (germline): Uncertain significance (1 of 4 stars; one submission).

Conditions:
Colorectal cancer, hereditary nonpolyposis, type 7. Identifiers: Orphanet 144, MedGen C1858380, MONDO:0013725, OMIM 614385.

Submission:

Labcorp Genetics (formerly Invitae), Labcorp
Classification: Uncertain significance for Colorectal cancer, hereditary nonpolyposis, type 7. Last evaluated: 2023-03-31. Review status: criteria provided, single submitter. Criteria: Invitae Variant Classification Sherloc (09022015). Collection method: clinical testing. Allele origin: germline.
Comment: In summary, the available evidence is currently insufficient to determine the role of this variant in disease. Therefore, it has been classified as a Variant of Uncertain Significance. Experimental studies and prediction algorithms are not available or were not evaluated, and the functional significance of this variant is currently unknown. This variant has not been reported in the literature in individuals affected with MLH3-related conditions. This variant is present in population databases (rs755543475, gnomAD 0.006%). This sequence change creates a premature translational stop signal (p.Arg413Thrfs*2) in the MLH3 gene. It is expected to result in an absent or disrupted protein product. However, the current clinical and genetic evidence is not sufficient to establish whether loss-of-function variants in MLH3 cause disease.